The following is an entry in ClinVar:

NM_000455.5(STK11):c.295del (p.Ile99fs)

Gene: STK11 (serine/threonine kinase 11; plus strand). Cytogenetic location: 19p13.3.
Variant type: Deletion.
Coding change: c.295del on transcript NM_000455.5 (MANE Select); coding-DNA position 295, one base deleted (A; older notation c.295delA).
Protein change: p.Ile99fs; shifts the reading frame from isoleucine 99.
Molecular consequence: frameshift variant. On other transcripts: non-coding transcript variant (1).
Genome position (GRCh38, 1-based): chr19:1,218,421, A deleted; the last of 3 consecutive A bases (chr19:1,218,419-1,218,421); deleting any one gives the same sequence. VCF-style (leftmost placement, unchanged base first): chr19-1218418-GA-G. GRCh37 (hg19) VCF-style: chr19-1218417-GA-G.
Other names: c.295del, p.Ile99fs (NM_001407255.1); short protein forms I99fs.
Identifiers: ClinVar variation 3148610 (VCV003148610.1), dbSNP rs2512938117, ClinGen allele CA2825002729.

ClinVar aggregate classification (germline): Pathogenic (1 of 4 stars; one submission).

Conditions:
Peutz-Jeghers syndrome (PJS). Also called: POLYPOSIS, HAMARTOMATOUS INTESTINAL; POLYPS-AND-SPOTS SYNDROME; Peutz-Jeghers polyposis; Periorificial lentiginosis syndrome. Identifiers: Orphanet 2869, MedGen C0031269, MeSH D010580, MONDO:0008280, OMIM 175200.

Submission:

Myriad Genetics, Inc.
Classification: Pathogenic for Peutz-Jeghers syndrome. Last evaluated: 2024-02-09. Review status: criteria provided, single submitter. Criteria: Myriad Autosomal Dominant, Autosomal Recessive and X-Linked Classification Criteria (2023). Collection method: clinical testing. Allele origin: unknown.
Comment: This variant is considered pathogenic. This variant creates a frameshift predicted to result in premature protein truncation.